The following is an entry in ClinVar:

NM_004006.3(DMD):c.3766G>T (p.Gly1256Trp)

Gene: DMD (dystrophin; minus strand). Cytogenetic location: Xp21.1.
Variant type: single nucleotide variant.
Coding change: c.3766G>T on transcript NM_004006.3 (MANE Select); coding-DNA position 3766, G replaced by T.
Protein change: p.Gly1256Trp; replaces glycine 1256 with tryptophan.
Molecular consequence: missense variant.
Genome position (GRCh38, 1-based): chrX:32,448,476, C>A on the plus strand (G>T on the coding strand, the complement: DMD is on the minus strand). VCF-style: chrX-32448476-C-A. GRCh37 (hg19) VCF-style: chrX-32466593-C-A.
Other names: c.3742G>T, p.Gly1248Trp (NM_000109.4); c.3754G>T, p.Gly1252Trp (NM_004009.3); c.3397G>T, p.Gly1133Trp (NM_004010.3); short protein forms G1133W, G1248W, G1252W, G1256W.
Identifiers: ClinVar variation 1310083 (VCV001310083.2), dbSNP rs2148287402, ClinGen allele CA412661663.
Genomic context (GRCh38, chrX:32,448,476, plus strand): 5'-ATTGACATATCATTGACAAAGACCAAGAAAAGCAACTGACTTCCAAAGTCTTGCATTTCC[C>A]ATTCAGCCTAGTGCAGAGCCACTGGTAGTTGGTGGTTAGAGTTTCAAGTTCCTTTTTTAA-3'
Protein context (NP_003997.2, residues 1246-1266): NYQWLCTRLN[Gly1256Trp]KCKTLEEVWA

ClinVar aggregate classification (germline): Uncertain significance (1 of 4 stars; one submission).

Submission:

GeneDx
Classification: Uncertain significance. Last evaluated: 2019-11-10. Review status: criteria provided, single submitter. Criteria: GeneDx Variant Classification Process June 2021. Collection method: clinical testing. Allele origin: germline. Affected: yes.
Comment: Not observed in large population cohorts (Lek et al., 2016); In silico analysis, which includes protein predictors and evolutionary conservation, supports a deleterious effect; Missense variant in a gene in which most reported pathogenic variants are truncating/loss-of-function; Has not been previously published as pathogenic or benign to our knowledge